The following is an entry in ClinVar:

ClinVar aggregate classification (germline): Pathogenic/Likely pathogenic. Review status: criteria provided, multiple submitters, no conflicts (2 of 4 stars). 3 submissions from 3 submitters: Pathogenic (2); Likely pathogenic (1). Last evaluated 2024-04-17.

Conditions:
Alstrom syndrome (ALMS). Identifiers: Orphanet 64, MedGen C0268425, MONDO:0008763, OMIM 203800.

Submissions (3):

Labcorp Genetics (formerly Invitae), Labcorp
Classification: Pathogenic for Alstrom syndrome. Last evaluated: 2024-04-17. Review status: criteria provided, single submitter. Criteria: Invitae Variant Classification Sherloc (09022015). Collection method: clinical testing. Allele origin: germline.
Comment: This sequence change creates a premature translational stop signal (p.Asp972Valfs*8) in the ALMS1 gene. It is expected to result in an absent or disrupted protein product. Loss-of-function variants in ALMS1 are known to be pathogenic (PMID: 17594715). This variant is not present in population databases (gnomAD no frequency). This variant has not been reported in the literature in individuals affected with ALMS1-related conditions. ClinVar contains an entry for this variant (Variation ID: 1068792). For these reasons, this variant has been classified as Pathogenic.

Natera, Inc.
Classification: Likely pathogenic for Alstrom syndrome. Last evaluated: 2024-03-21. Review status: criteria provided, single submitter. Criteria: Natera Variant Classification Schema (03/2026). Collection method: clinical testing. Allele origin: germline.
Comment: The c.2915_2918delACAG variant in ALMS1 is a frameshift variant predicted to shift the reading frame beginning at codon 972 and leads to a stop codon 8 codons downstream. This variant is expected to result in nonsense mediated decay, truncation, or a dysfunctional protein product. This variant is rare in the general population with a frequency below the threshold expected for the associated phenotype(s). Given the available evidence, this variant is classified as Likely Pathogenic.

Victorian Clinical Genetics Services, Murdoch Childrens Research Institute
Classification: Pathogenic for Alstrom syndrome. Last evaluated: 2020-05-21. Review status: criteria provided, single submitter. Criteria: ACMG Guidelines, 2015. Collection method: clinical testing. Allele origin: germline. Inheritance: Autosomal recessive inheritance.
Comment: Based on the classification scheme VCGS_Germline_v0.6.1, this variant is classified as Pathogenic. Following criteria are met: 0102 - Loss of function is a known mechanism of disease for this gene. 0106 - This gene is known to be associated with autosomal recessive disease. 0201 - Variant is predicted to cause nonsense-mediated decay (NMD) and loss of protein. 0301 - Variant is absent from gnomAD. 0507 - Identified variant type is not compatible with in-silico predictions of pathogenicity. 0701 - Comparable variant in relevant codon/region has very strong previous evidence for pathogenicity. 0807 - Variant has not previously been reported in a clinical context. 0905 - No published segregation evidence has been identified for this variant. 1007 - No published functional evidence has been identified for this variant. 1201 - Heterozygous variant detected in trans with a second (likely) pathogenic heterozygous variant in a recessive disease.

Literature cited by the submitters: PubMed 17594715 (cited by Labcorp Genetics (formerly Invitae), Labcorp and Victorian Clinical Genetics Services, Murdoch Childrens Research Institute).

NM_001378454.1(ALMS1):c.2912_2915del (p.Asp971fs)

Gene: ALMS1 (ALMS1 centrosome and basal body associated protein; plus strand). Cytogenetic location: 2p13.1.
Variant type: Deletion.
Coding change: c.2912_2915del on transcript NM_001378454.1 (MANE Select); coding-DNA positions 2912 to 2915, 4 bases deleted (ACAG; older notation c.2912_2915delACAG).
Protein change: p.Asp971fs; shifts the reading frame from aspartic acid 971.
Molecular consequence: frameshift variant.
Genome position (GRCh38, 1-based): chr2:73,449,439-73,449,442, ACAG deleted; deleting any 4 consecutive bases within chr2:73,449,436-73,449,442 gives the same sequence; the c. name uses the placement nearest the transcript's 3' end. VCF-style (leftmost placement, unchanged base first): chr2-73449435-CCAGA-C. GRCh37 (hg19) VCF-style: chr2-73676562-CCAGA-C.
Other names: c.2915_2918del, p.Asp972fs (NM_015120.4); c.2915_2918delACAG (NM_015120.4); short protein forms D971fs, D972fs.
Identifiers: ClinVar variation 1068792 (VCV001068792.10), dbSNP rs1671880172, ClinGen allele CA1032198822.
Genomic context (GRCh38, chr2:73,449,435, plus strand): 5'-GTGTCCTCTAATTCTCACTCACATAGCGAGAAATCTAGTGTTTTCTACCAGCAAGAGTTG[CCAGA>C]CAGTGATCTACCTAGAGAATCTCTGAAAATGTCTGCTATTCCTGGACTGACTGACCAGAA-3'